The following is an entry in ClinVar:

NM_003716.4(CADPS):c.4017C>A (p.Gly1339=)

Gene: CADPS (calcium dependent secretion activator; minus strand). Cytogenetic location: 3p14.2.
Variant type: single nucleotide variant.
Coding change: c.4017C>A on transcript NM_003716.4 (MANE Select); coding-DNA position 4017, C replaced by A.
Protein change: p.Gly1339=; no amino-acid change (glycine 1339 retained).
Molecular consequence: synonymous variant.
Genome position (GRCh38, 1-based): chr3:62,399,451, G>T on the plus strand (C>A on the coding strand, the complement: CADPS is on the minus strand). VCF-style: chr3-62399451-G-T. GRCh37 (hg19) VCF-style: chr3-62385126-G-T.
Other names: c.3780C>A, p.Gly1260= (NM_183393.3); c.3900C>A, p.Gly1300= (NM_183394.3).
Identifiers: ClinVar variation 3353103 (VCV003353103.1).

ClinVar aggregate classification (germline): Likely benign (0 of 4 stars; one submission).

Conditions:
CADPS-related disorder. Also called: CADPS-related condition.

gnomAD v4.1: 43 of 1,614,022 alleles (0.0027%); highest among the groups gnomAD compares: Non-Finnish European, 0.0034%; no homozygotes.

Submission:

PreventionGenetics, part of Exact Sciences
Classification: Likely benign for CADPS-related condition. Last evaluated: 2024-03-21. Review status: no assertion criteria provided. Collection method: clinical testing. Allele origin: germline.
Comment: This variant is classified as likely benign based on ACMG/AMP sequence variant interpretation guidelines (Richards et al. 2015 PMID: 25741868, with internal and published modifications).